The following is an entry in ClinVar:

NM_001378615.1(CC2D2A):c.3902C>T (p.Thr1301Ile)

Genes: CC2D2A (coiled-coil and C2 domain containing 2A; plus strand), FBXL5 (F-box and leucine rich repeat protein 5; minus strand). Cytogenetic location: 4p15.32.
Variant type: single nucleotide variant.
Coding change: c.3902C>T on transcript NM_001378615.1 (MANE Select); coding-DNA position 3902, C replaced by T.
Protein change: p.Thr1301Ile; replaces threonine 1301 with isoleucine.
Molecular consequence: missense variant.
Genome position (GRCh38, 1-based): chr4:15,580,098, C>T. VCF-style: chr4-15580098-C-T. GRCh37 (hg19) VCF-style: chr4-15581721-C-T.
Other names: c.3902C>T, p.Thr1301Ile (NM_001080522.2); c.3755C>T, p.Thr1252Ile (NM_001378617.1); short protein forms T1301I, T1252I.
Identifiers: ClinVar variation 2925378 (VCV002925378.3), dbSNP rs2475106319, ClinGen allele CA356426326.

ClinVar aggregate classification (germline): Uncertain significance (1 of 4 stars; one submission).

Conditions:
Joubert syndrome. Also called: JOUBERT-BOLTSHAUSER SYNDROME; Familial aplasia of the vermis. Identifiers: Orphanet 475, MedGen C5979921, MONDO:0018772.
Meckel-Gruber syndrome. Also called: DYSENCEPHALIA SPLANCHNOCYSTICA; GRUBER SYNDROME; Dysencephalia splachnocystica. Identifiers: Orphanet 564, MedGen C0265215, MONDO:0018921.

Allele frequency attached by ClinVar (database versions not stated): gnomAD exomes below 0.00001.
gnomAD v4.1: 2 of 1,613,960 alleles (0.00012%); highest among the groups gnomAD compares: South Asian, 0.0011%; no homozygotes.

Submission:

Labcorp Genetics (formerly Invitae), Labcorp
Classification: Uncertain significance for Joubert syndrome; Meckel-Gruber syndrome. Last evaluated: 2024-12-02. Review status: criteria provided, single submitter. Criteria: Invitae Variant Classification Sherloc (09022015). Collection method: clinical testing. Allele origin: germline.
Comment: This sequence change replaces threonine, which is neutral and polar, with isoleucine, which is neutral and non-polar, at codon 1301 of the CC2D2A protein (p.Thr1301Ile). This variant is not present in population databases (gnomAD no frequency). This missense change has been observed in individual(s) with CC2D2A-related conditions (PMID: 26633542). ClinVar contains an entry for this variant (Variation ID: 2925378). Invitae Evidence Modeling of protein sequence and biophysical properties (such as structural, functional, and spatial information, amino acid conservation, physicochemical variation, residue mobility, and thermodynamic stability) has been performed for this missense variant. However, the output from this modeling did not meet the statistical confidence thresholds required to predict the impact of this variant on CC2D2A protein function. In summary, the available evidence is currently insufficient to determine the role of this variant in disease. Therefore, it has been classified as a Variant of Uncertain Significance.

Literature cited by the submitters: PubMed 26633542.